The following is an entry in ClinVar:

NM_000497.4(CYP11B1):c.*1042A>G

Gene: CYP11B1 (cytochrome P450 family 11 subfamily B member 1; minus strand). Cytogenetic location: 8q24.3.
Variant type: single nucleotide variant.
Coding change: c.*1042A>G on transcript NM_000497.4 (MANE Select); 1042 bases downstream of the stop codon, A replaced by G.
Molecular consequence: 3 prime UTR variant.
Genome position (GRCh38, 1-based): chr8:142,873,331, T>C on the plus strand (A>G on the coding strand, the complement: CYP11B1 is on the minus strand). VCF-style: chr8-142873331-T-C. GRCh37 (hg19) VCF-style: chr8-143954747-T-C.
Other names: c.*1042A>G (NM_001026213.1).
Identifiers: ClinVar variation 362121 (VCV000362121.9), dbSNP rs7003319, ClinGen allele CA10630434.

ClinVar aggregate classification (germline): Benign. Review status: criteria provided, multiple submitters, no conflicts (2 of 4 stars). 4 submissions from 3 submitters: Benign (4). Last evaluated 2021-05-11.

Conditions:
Deficiency of steroid 11-beta-monooxygenase (CYP11B1). Also called: ADRENAL HYPERPLASIA, CONGENITAL, DUE TO STEROID 11-BETA-HYDROXYLASE DEFICIENCY; 11-BETA-HYDROXYLASE DEFICIENCY; ADRENAL HYPERPLASIA IV; P450C11B1 DEFICIENCY; STEROID 11-BETA-HYDROXYLASE DEFICIENCY; Congenital adrenal hyperplasia due to 11-beta-hydroxylase deficiency. Identifiers: Orphanet 90795, MedGen C0268292, MONDO:0008729, OMIM 202010. Disease mechanism: loss of function.
Glucocorticoid-remediable aldosteronism. Also called: Hyperaldosteronism, familial, type I; ACTH-DEPENDENT HYPERALDOSTERONISM SYNDROME; ALDOSTERONISM, SENSITIVE TO DEXAMETHASONE; FH I; GLUCOCORTICOID-SUPPRESSIBLE HYPERALDOSTERONISM. Identifiers: Orphanet 403, MedGen C3838731, MONDO:0007080, OMIM 103900.

Allele frequency attached by ClinVar (database versions not stated): gnomAD 0.60695 and 0.61438; TOPMed 0.61291; 1000 Genomes Project 30x 0.69254; 1000 Genomes Project 0.69569; gnomAD exomes 0.70833.

Submissions (4):

GeneDx
Classification: Benign. Last evaluated: 2021-05-11. Review status: criteria provided, single submitter. Criteria: GeneDx Variant Classification Process June 2021. Collection method: clinical testing. Allele origin: germline. Affected: yes.

Illumina Laboratory Services, Illumina
Classification: Benign for Deficiency of steroid 11-beta-monooxygenase. Last evaluated: 2018-01-13. Review status: criteria provided, single submitter. Criteria: ICSL Variant Classification Criteria 13 December 2019. Collection method: clinical testing. Allele origin: germline.
Comment: This variant was observed in the ICSL laboratory as part of a predisposition screen in an ostensibly healthy population. It had not been previously curated by ICSL or reported in the Human Gene Mutation Database (HGMD: prior to June 1st, 2018), and was therefore a candidate for classification through an automated scoring system. Utilizing variant allele frequency, disease prevalence and penetrance estimates, and inheritance mode, an automated score was calculated to assess if this variant is too frequent to cause the disease. Based on the score and internal cut-off values, a variant classified as benign is not then subjected to further curation. The score for this variant resulted in a classification of benign for this disease.

Illumina Laboratory Services, Illumina
Classification: Benign for Glucocorticoid-remediable aldosteronism. Last evaluated: 2018-01-13. Review status: criteria provided, single submitter. Criteria: ICSL Variant Classification Criteria 13 December 2019. Collection method: clinical testing. Allele origin: germline.
Comment: the same text as in the submission from Illumina Laboratory Services, Illumina above.

Breakthrough Genomics
Classification: Benign. Review status: criteria provided, single submitter. Criteria: ACMG Guidelines, 2015. Collection method: not provided. Allele origin: germline. Inheritance: Autosomal recessive inheritance. Affected: yes.